The following is an entry in ClinVar:

NM_014850.4(SRGAP3):c.1563T>G (p.Leu521=)

Gene: SRGAP3 (SLIT-ROBO Rho GTPase activating protein 3; minus strand). Cytogenetic location: 3p25.3.
Variant type: single nucleotide variant.
Coding change: c.1563T>G on transcript NM_014850.4 (MANE Select); coding-DNA position 1563, T replaced by G.
Protein change: p.Leu521=; no amino-acid change (leucine 521 retained).
Molecular consequence: synonymous variant.
Genome position (GRCh38, 1-based): chr3:9,026,972, A>C on the plus strand (T>G on the coding strand, the complement: SRGAP3 is on the minus strand). VCF-style: chr3-9026972-A-C. GRCh37 (hg19) VCF-style: chr3-9068656-A-C.
Other names: c.1491T>G, p.Leu497= (NM_001033117.3).
Identifiers: ClinVar variation 775843 (VCV000775843.8), dbSNP rs79362157, ClinGen allele CA2237749.

ClinVar aggregate classification (germline): Benign/Likely benign. Review status: criteria provided, multiple submitters, no conflicts (2 of 4 stars). 4 submissions from 4 submitters: Benign (2); Likely benign (1). 1 of the submissions does not count toward it. Last evaluated 2024-09-23.

Conditions:
SRGAP3-related disorder. Also called: SRGAP3-related condition.

Allele frequency attached by ClinVar (database versions not stated): gnomAD exomes 0.00039 and 0.00107; ExAC 0.00140; gnomAD 0.00400 and 0.00431; ESP Exome Variant Server 0.00423; TOPMed 0.00462; 1000 Genomes Project 0.00499; 1000 Genomes Project 30x 0.00547.
gnomAD v4.1: 1,196 of 1,614,232 alleles (0.074%); highest among the groups gnomAD compares: African/African-American, 1.4%; 8 homozygotes.

Submissions (4):

Blueprint Genetics
Classification: Likely benign. Last evaluated: 2024-09-23. Review status: criteria provided, single submitter. Criteria: ACMG Guidelines, 2015. Collection method: clinical testing. Allele origin: germline.

Labcorp Genetics (formerly Invitae), Labcorp
Classification: Benign. Last evaluated: 2019-12-31. Review status: criteria provided, single submitter. Criteria: Invitae Variant Classification Sherloc (09022015). Collection method: clinical testing. Allele origin: germline.

Breakthrough Genomics
Classification: Benign. Review status: criteria provided, single submitter. Criteria: ACMG Guidelines, 2015. Collection method: not provided. Allele origin: germline. Inheritance: Unknown mechanism. Affected: yes.

PreventionGenetics, part of Exact Sciences
Classification: Benign for SRGAP3-related condition. Last evaluated: 2019-05-01. Review status: no assertion criteria provided. Collection method: clinical testing. Allele origin: germline. Not counted in ClinVar's aggregate classification.
Comment: This variant is classified as benign based on ACMG/AMP sequence variant interpretation guidelines (Richards et al. 2015 PMID: 25741868, with internal and published modifications).